The following is an entry in ClinVar:

ClinVar aggregate classification (germline): Uncertain significance (1 of 4 stars; one submission).

Conditions:
Amyotrophic lateral sclerosis type 1 (ALS1). Also called: AMYOTROPHIC LATERAL SCLEROSIS 1, FAMILIAL. Identifiers: Orphanet 803, MedGen C1862939, MONDO:0007103, OMIM 105400.
Neuronopathy, distal hereditary motor, type 7B. Also called: HMN VIIB; LOWER MOTOR NEURON DISEASE, DYNACTIN TYPE; NEURONOPATHY, DISTAL HEREDITARY MOTOR, AUTOSOMAL DOMINANT 14; NEURONOPATHY, DISTAL HEREDITARY MOTOR, HARDING TYPE VIIB; NEUROPATHY, DISTAL HEREDITARY MOTOR, HARDING TYPE VIIB; NEUROPATHY, DISTAL HEREDITARY MOTOR, WITH VOCAL CORD PARALYSIS, HARDING TYPE VIIB. Identifiers: Orphanet 139589, MedGen C1843315, MONDO:0011879, OMIM 607641.
Perry syndrome. Also called: PARKINSONISM WITH ALVEOLAR HYPOVENTILATION AND MENTAL DEPRESSION. Identifiers: Orphanet 178509, MedGen C1868594, MONDO:0008201, OMIM 168605.

Allele frequency attached by ClinVar (database versions not stated): TOPMed below 0.00001; ExAC 0.00001.
gnomAD v4.1: 2 of 1,614,108 alleles (0.00012%); highest among the groups gnomAD compares: Admixed American, 0.0017%; no homozygotes.

Submission:

Labcorp Genetics (formerly Invitae), Labcorp
Classification: Uncertain significance for Amyotrophic lateral sclerosis type 1; Neuronopathy, distal hereditary motor, type 7B; Perry syndrome. Last evaluated: 2024-12-31. Review status: criteria provided, single submitter. Criteria: Invitae Variant Classification Sherloc (09022015). Collection method: clinical testing. Allele origin: germline.
Comment: This sequence change replaces arginine, which is basic and polar, with cysteine, which is neutral and slightly polar, at codon 990 of the DCTN1 protein (p.Arg990Cys). This variant is not present in population databases (gnomAD no frequency). This variant has not been reported in the literature in individuals affected with DCTN1-related conditions. ClinVar contains an entry for this variant (Variation ID: 2935591). Invitae Evidence Modeling of protein sequence and biophysical properties (such as structural, functional, and spatial information, amino acid conservation, physicochemical variation, residue mobility, and thermodynamic stability) has been performed for this missense variant. However, the output from this modeling did not meet the statistical confidence thresholds required to predict the impact of this variant on DCTN1 protein function. In summary, the available evidence is currently insufficient to determine the role of this variant in disease. Therefore, it has been classified as a Variant of Uncertain Significance.

NM_004082.5(DCTN1):c.2968C>T (p.Arg990Cys)

Gene: DCTN1 (dynactin subunit 1; minus strand). Cytogenetic location: 2p13.1.
Variant type: single nucleotide variant.
Coding change: c.2968C>T on transcript NM_004082.5 (MANE Select); coding-DNA position 2968, C replaced by T.
Protein change: p.Arg990Cys; replaces arginine 990 with cysteine.
Molecular consequence: missense variant. On other transcripts: non-coding transcript variant (1).
Genome position (GRCh38, 1-based): chr2:74,365,576, G>A on the plus strand (C>T on the coding strand, the complement: DCTN1 is on the minus strand). VCF-style: chr2-74365576-G-A. GRCh37 (hg19) VCF-style: chr2-74592703-G-A.
Other names: c.2566C>T, p.Arg856Cys (NM_023019.4, NM_001135041.3); c.2908C>T, p.Arg970Cys (NM_001135040.3); c.2857C>T, p.Arg953Cys (NM_001190836.2); c.2947C>T, p.Arg983Cys (NM_001190837.2); c.2917C>T, p.Arg973Cys (NM_001378991.1); c.2899C>T, p.Arg967Cys (NM_001378992.1); short protein forms R856C, R953C, R967C, R973C, R983C, R970C, R990C.
Identifiers: ClinVar variation 2935591 (VCV002935591.3), dbSNP rs771512825, ClinGen allele CA1721663.